The following is an entry in ClinVar:

NM_006939.4(SOS2):c.2240G>A (p.Ser747Asn)

Gene: SOS2 (SOS Ras/Rho guanine nucleotide exchange factor 2; minus strand). Cytogenetic location: 14q21.3.
Variant type: single nucleotide variant.
Coding change: c.2240G>A on transcript NM_006939.4 (MANE Select); coding-DNA position 2240, G replaced by A.
Protein change: p.Ser747Asn; replaces serine 747 with asparagine.
Molecular consequence: missense variant.
Genome position (GRCh38, 1-based): chr14:50,150,152, C>T on the plus strand (G>A on the coding strand, the complement: SOS2 is on the minus strand). VCF-style: chr14-50150152-C-T. GRCh37 (hg19) VCF-style: chr14-50616870-C-T.
Other names: c.2141G>A, p.Ser714Asn (NM_001411020.1); short protein forms S714N, S747N.
Identifiers: ClinVar variation 1921137 (VCV001921137.5), dbSNP rs2502942676, ClinGen allele CA389643893.

ClinVar aggregate classification (germline): Uncertain significance (1 of 4 stars; one submission).

Conditions:
Noonan syndrome 9 (NS9). Identifiers: Orphanet 648, MedGen C4225282, MONDO:0014691, OMIM 616559.

Allele frequency attached by ClinVar (database versions not stated): gnomAD exomes below 0.00001.
gnomAD v4.1: 1 of 1,613,382 alleles (0.000062%); highest among the groups gnomAD compares: Non-Finnish European, 0.000085%; no homozygotes.

Submission:

Labcorp Genetics (formerly Invitae), Labcorp
Classification: Uncertain significance for Noonan syndrome 9. Last evaluated: 2025-08-25. Review status: criteria provided, single submitter. Criteria: Invitae Variant Classification Sherloc (09022015). Collection method: clinical testing. Allele origin: germline.
Comment: This sequence change replaces serine, which is neutral and polar, with asparagine, which is neutral and polar, at codon 747 of the SOS2 protein (p.Ser747Asn). This variant is not present in population databases (gnomAD no frequency). This variant has not been reported in the literature in individuals affected with SOS2-related conditions. ClinVar contains an entry for this variant (Variation ID: 1921137). Invitae Evidence Modeling of protein sequence and biophysical properties (such as structural, functional, and spatial information, amino acid conservation, physicochemical variation, residue mobility, and thermodynamic stability) indicates that this missense variant is not expected to disrupt SOS2 protein function with a negative predictive value of 95%. In summary, the available evidence is currently insufficient to determine the role of this variant in disease. Therefore, it has been classified as a Variant of Uncertain Significance.